The following is an entry in ClinVar:

NM_005751.5(AKAP9):c.8843G>A (p.Arg2948Lys)

Gene: AKAP9 (A-kinase anchoring protein 9; plus strand). Cytogenetic location: 7q21.2.
Variant type: single nucleotide variant.
Coding change: c.8843G>A on transcript NM_005751.5 (MANE Select); coding-DNA position 8843, G replaced by A.
Protein change: p.Arg2948Lys; replaces arginine 2948 with lysine.
Molecular consequence: missense variant.
Genome position (GRCh38, 1-based): chr7:92,085,505, G>A. VCF-style: chr7-92085505-G-A. GRCh37 (hg19) VCF-style: chr7-91714819-G-A.
Other names: c.3488G>A, p.Arg1163Lys (NM_001379277.1); c.8819G>A, p.Arg2940Lys (NM_147185.3); short protein forms R1163K, R2940K, R2948K.
Identifiers: ClinVar variation 1041946 (VCV001041946.8), dbSNP rs1814380468, ClinGen allele CA368142759.

ClinVar aggregate classification (germline): Uncertain significance (1 of 4 stars; one submission).

Conditions:
Long QT syndrome (LQTS). Identifiers: MedGen C0023976, MeSH D008133, MONDO:0002442. Disease mechanism: loss of function. Inheritance: Various modes of inheritance.

Allele frequency attached by ClinVar (database versions not stated): gnomAD exomes below 0.00001; gnomAD 0.00001; TOPMed 0.00001.

Submission:

Labcorp Genetics (formerly Invitae), Labcorp
Classification: Uncertain significance for Long QT syndrome. Last evaluated: 2024-12-22. Review status: criteria provided, single submitter. Criteria: Invitae Variant Classification Sherloc (09022015). Collection method: clinical testing. Allele origin: germline.
Comment: This sequence change replaces arginine, which is basic and polar, with lysine, which is basic and polar, at codon 2948 of the AKAP9 protein (p.Arg2948Lys). This variant is not present in population databases (gnomAD no frequency). This variant has not been reported in the literature in individuals affected with AKAP9-related conditions. ClinVar contains an entry for this variant (Variation ID: 1041946). An algorithm developed to predict the effect of missense changes on protein structure and function outputs the following: PolyPhen-2: "Probably Damaging". The lysine amino acid residue is found in multiple mammalian species, which suggests that this missense change does not adversely affect protein function. In summary, the available evidence is currently insufficient to determine the role of this variant in disease. Therefore, it has been classified as a Variant of Uncertain Significance.